The following is an entry in ClinVar:

ClinVar aggregate classification (germline): Likely pathogenic (1 of 4 stars; one submission).

Conditions:
Fanconi anemia (FA). Also called: Fanconi's anemia. Identifiers: Orphanet 84, MedGen C0015625, MeSH D005199, MONDO:0019391.

Submission:

Labcorp Genetics (formerly Invitae), Labcorp
Classification: Likely pathogenic for Fanconi anemia. Last evaluated: 2025-10-22. Review status: criteria provided, single submitter. Criteria: Invitae Variant Classification Sherloc (09022015). Collection method: clinical testing. Allele origin: germline.
Comment: This sequence change affects a donor splice site in intron 34 of the FANCA gene. It is expected to disrupt RNA splicing. Variants that disrupt the donor or acceptor splice site typically lead to a loss of protein function (PMID: 16199547), and loss-of-function variants in FANCA are known to be pathogenic (PMID: 19367192). This variant is not present in population databases (gnomAD no frequency). Disruption of this splice site has been observed in individual(s) with Fanconi anemia (PMID: 29098742). ClinVar contains an entry for this variant (Variation ID: 573453). Algorithms developed to predict the effect of sequence changes on RNA splicing suggest that this variant may disrupt the consensus splice site. In summary, the currently available evidence indicates that the variant is pathogenic, but additional data are needed to prove that conclusively. Therefore, this variant has been classified as Likely Pathogenic.

Literature cited by the submitters: PubMed 16199547; PubMed 19367192; PubMed 29098742.

NM_000135.4(FANCA):c.3408+1G>C

Genes: FANCA (FA complementation group A; minus strand), LOC132090450 (Neanderthal introgressed variant-containing enhancer experimental_46718; plus strand). Cytogenetic location: 16q24.3.
Variant type: single nucleotide variant.
Coding change: c.3408+1G>C on transcript NM_000135.4 (MANE Select); the canonical splice donor site of the intron after coding-DNA position 3408, G replaced by C.
Molecular consequence: splice donor variant.
Genome position (GRCh38, 1-based): chr16:89,746,830, C>G on the plus strand (G>C on the coding strand, the complement: FANCA is on the minus strand). VCF-style: chr16-89746830-C-G. GRCh37 (hg19) VCF-style: chr16-89813238-C-G.
Other names: c.3408+1G>C (NM_001286167.3).
Identifiers: ClinVar variation 573453 (VCV000573453.7), dbSNP rs1567601557, ClinGen allele CA397486036.
Genomic context (GRCh38, chr16:89,746,830, plus strand): 5'-CAGGAGGATCCACCCACGGCGTTCTGAGAAGGCCACGAGAGGGGCTGAGGGAGCATCTCA[C>G]CCTGAAGAAGTGGGCAGTGATGTCCTGTGTCAGGGCACCTCCGTGGGAGCAGAAGTTTCT-3'